The following is an entry in ClinVar:

ClinVar aggregate classification (germline): Uncertain significance (1 of 4 stars; one submission).

Conditions:
Familial hemophagocytic lymphohistiocytosis 5. Also called: STXBP2-Related Familial Hemophagocytic Lymphohistiocytosis (STXBP2-fHLH). Identifiers: Orphanet 540, MedGen C2751293, MONDO:0013135, OMIM 613101.

Allele frequency attached by ClinVar (database versions not stated): TOPMed 0.00004; gnomAD 0.00005 and 0.00004; ESP Exome Variant Server 0.00008; gnomAD exomes 0.00002 and 0.00003; ExAC 0.00003.
gnomAD v4.1: 32 of 1,614,068 alleles (0.002%); highest among the groups gnomAD compares: African/African-American, 0.011%; no homozygotes.

Submission:

Labcorp Genetics (formerly Invitae), Labcorp
Classification: Uncertain significance for Familial hemophagocytic lymphohistiocytosis 5. Last evaluated: 2022-07-31. Review status: criteria provided, single submitter. Criteria: Invitae Variant Classification Sherloc (09022015). Collection method: clinical testing. Allele origin: germline.
Comment: This sequence change replaces glutamic acid, which is acidic and polar, with lysine, which is basic and polar, at codon 112 of the STXBP2 protein (p.Glu112Lys). This variant is present in population databases (rs368824770, gnomAD 0.02%). This variant has not been reported in the literature in individuals affected with STXBP2-related conditions. ClinVar contains an entry for this variant (Variation ID: 1415218). Algorithms developed to predict the effect of missense changes on protein structure and function (SIFT, PolyPhen-2, Align-GVGD) all suggest that this variant is likely to be tolerated. In summary, the available evidence is currently insufficient to determine the role of this variant in disease. Therefore, it has been classified as a Variant of Uncertain Significance.

NM_006949.4(STXBP2):c.334G>A (p.Glu112Lys)

Gene: STXBP2 (syntaxin binding protein 2; plus strand). Cytogenetic location: 19p13.2.
Variant type: single nucleotide variant.
Coding change: c.334G>A on transcript NM_006949.4 (MANE Select); coding-DNA position 334, G replaced by A.
Protein change: p.Glu112Lys; replaces glutamic acid 112 with lysine.
Molecular consequence: missense variant. On other transcripts: non-coding transcript variant (1).
Genome position (GRCh38, 1-based): chr19:7,640,908, G>A. VCF-style: chr19-7640908-G-A. GRCh37 (hg19) VCF-style: chr19-7705794-G-A.
Other names: c.325G>A, p.Glu109Lys (NM_001127396.3); c.367G>A, p.Glu123Lys (NM_001272034.2); short protein forms E109K, E123K, E112K.
Identifiers: ClinVar variation 1415218 (VCV001415218.3), dbSNP rs368824770, ClinGen allele CA9143596.